The following is an entry in ClinVar:

ClinVar aggregate classification (germline): Pathogenic (1 of 4 stars; one submission).

Conditions:
Cohen syndrome (COH1). Also called: PEPPER SYNDROME; Cutis verticis gyrata, retinitis pigmentosa, and sensorineural deafness. Identifiers: Orphanet 193, MedGen C0265223, MONDO:0008999, OMIM 216550.

Submission:

Labcorp Genetics (formerly Invitae), Labcorp
Classification: Pathogenic for Cohen syndrome. Last evaluated: 2020-02-21. Review status: criteria provided, single submitter. Criteria: Invitae Variant Classification Sherloc (09022015). Collection method: clinical testing. Allele origin: germline.
Comment: For these reasons, this variant has been classified as Pathogenic. This variant disrupts the C-terminus of the VPS13B protein. Other variant(s) that disrupt this region (p.Asn3954Lysfs*60) have been determined to be pathogenic (PMID: 20656880). This suggests that variants that disrupt this region of the protein are likely to be causative of disease. This variant has not been reported in the literature in individuals with VPS13B-related conditions. This variant is not present in population databases (ExAC no frequency). This sequence change results in a premature translational stop signal in the VPS13B gene (p.Arg3934Lysfs*5). While this is not anticipated to result in nonsense mediated decay, it is expected to disrupt the last 89 amino acids of the VPS13B protein.

Literature cited by the submitters: PubMed 20656880.

NM_152564.5(VPS13B):c.11725dup (p.Arg3909fs)

Gene: VPS13B (vacuolar protein sorting 13 homolog B; plus strand). Cytogenetic location: 8q22.2.
Variant type: Duplication.
Coding change: c.11725dup on transcript NM_152564.5 (MANE Select); coding-DNA position 11725, one base duplicated (A; older notation c.11725dupA).
Protein change: p.Arg3909fs; shifts the reading frame from arginine 3909.
Molecular consequence: frameshift variant.
Genome position (GRCh38, 1-based): chr8:99,871,677, A duplicated; the last of 2 consecutive A bases (chr8:99,871,676-99,871,677); duplicating either gives the same sequence. VCF-style (leftmost placement, unchanged base first): chr8-99871675-C-CA. GRCh37 (hg19) VCF-style: chr8-100883903-C-CA.
Other names: c.11800dup, p.Arg3934fs (NM_017890.5); short protein forms R3909fs, R3934fs.
Identifiers: ClinVar variation 1075811 (VCV001075811.9), dbSNP rs2130976122, ClinGen allele CA2499219506.